The following is an entry in ClinVar:

ClinVar aggregate classification (germline): Uncertain significance (1 of 4 stars; one submission).

Conditions:
PTPRQ-related disorder. Also called: PTPRQ-related condition.

gnomAD v4.1: 309 of 1,543,946 alleles (0.02%); highest among the groups gnomAD compares: Non-Finnish European, 0.026%; no homozygotes.

Submission:

PreventionGenetics, part of Exact Sciences
Classification: Uncertain significance for PTPRQ-related condition. Last evaluated: 2025-06-30. Review status: criteria provided, single submitter. Criteria: ACMG Guidelines, 2015. Collection method: clinical testing. Allele origin: germline.
Comment: The PTPRQ c.2522G>A variant is predicted to result in the amino acid substitution p.Arg841Gln. To our knowledge, this variant has not been reported in the literature. This variant is reported in 0.018% of alleles in individuals of European (Non-Finnish) descent in gnomAD. At this time, the clinical significance of this variant is uncertain due to the absence of conclusive functional and genetic evidence.

NM_001145026.2(PTPRQ):c.2522G>A (p.Arg841Gln)

Gene: PTPRQ (protein tyrosine phosphatase receptor type Q; plus strand). Cytogenetic location: 12q21.31.
Variant type: single nucleotide variant.
Coding change: c.2522G>A on transcript NM_001145026.2 (MANE Select); coding-DNA position 2522, G replaced by A.
Protein change: p.Arg841Gln; replaces arginine 841 with glutamine.
Molecular consequence: missense variant.
Genome position (GRCh38, 1-based): chr12:80,506,635, G>A. VCF-style: chr12-80506635-G-A. GRCh37 (hg19) VCF-style: chr12-80900414-G-A.
Other names: short protein forms R841Q.
Identifiers: ClinVar variation 4980573 (VCV004980573.1).
Genomic context (GRCh38, chr12:80,506,635, plus strand): 5'-AGAAATATACCCAATATATCATTGAGGTGTCTGCTAGTACACTCAAAGGTGAAGGAGTTC[G>A]GAGTGCTCCCATAAGTATACTGACGGAGGAAGATGGTAAATATAATAGTGGATATTGATA-3'
Protein context (NP_001138498.1, residues 831-851): SASTLKGEGV[Arg841Gln]SAPISILTEE